The following is an entry in ClinVar:

ClinVar aggregate classification (germline): Likely pathogenic (1 of 4 stars; one submission).

Submission:

Labcorp Genetics (formerly Invitae), Labcorp
Classification: Likely pathogenic. Last evaluated: 2023-09-22. Review status: criteria provided, single submitter. Criteria: Invitae Variant Classification Sherloc (09022015). Collection method: clinical testing. Allele origin: germline.
Comment: This sequence change affects an acceptor splice site in intron 30 of the LRPPRC gene. It is expected to disrupt RNA splicing. Variants that disrupt the donor or acceptor splice site typically lead to a loss of protein function (PMID: 16199547), and loss-of-function variants in LRPPRC are known to be pathogenic (PMID: 26510951). This variant is not present in population databases (gnomAD no frequency). In summary, the currently available evidence indicates that the variant is pathogenic, but additional data are needed to prove that conclusively. Therefore, this variant has been classified as Likely Pathogenic. Algorithms developed to predict the effect of sequence changes on RNA splicing suggest that this variant may disrupt the consensus splice site. This variant has not been reported in the literature in individuals affected with LRPPRC-related conditions.

Literature cited by the submitters: PubMed 16199547; PubMed 26510951.

NM_133259.4(LRPPRC):c.3276-2A>G

Gene: LRPPRC (leucine rich pentatricopeptide repeat containing; minus strand). Cytogenetic location: 2p21.
Variant type: single nucleotide variant.
Coding change: c.3276-2A>G on transcript NM_133259.4 (MANE Select); the canonical splice acceptor site of the intron before coding-DNA position 3276, A replaced by G.
Molecular consequence: splice acceptor variant.
Genome position (GRCh38, 1-based): chr2:43,905,782, T>C on the plus strand (A>G on the coding strand, the complement: LRPPRC is on the minus strand). VCF-style: chr2-43905782-T-C. GRCh37 (hg19) VCF-style: chr2-44132921-T-C.
Identifiers: ClinVar variation 2796766 (VCV002796766.3), dbSNP rs2466401731, ClinGen allele CA346665131.